The following is an entry in ClinVar:

ClinVar aggregate classification (germline): Uncertain significance (1 of 4 stars; one submission).

Submission:

GeneDx
Classification: Uncertain significance. Last evaluated: 2023-03-23. Review status: criteria provided, single submitter. Criteria: GeneDx Variant Classification Process June 2021. Collection method: clinical testing. Allele origin: germline. Affected: yes.
Comment: Not observed at significant frequency in large population cohorts (gnomAD); Missense variants in this gene are often considered pathogenic (HGMD); In silico analysis supports that this missense variant has a deleterious effect on protein structure/function; Has not been previously published as pathogenic or benign to our knowledge

NM_001101.5(ACTB):c.1121G>A (p.Cys374Tyr)

Gene: ACTB (actin beta; minus strand). Cytogenetic location: 7p22.1.
Variant type: single nucleotide variant.
Coding change: c.1121G>A on transcript NM_001101.5 (MANE Select); coding-DNA position 1121, G replaced by A.
Protein change: p.Cys374Tyr; replaces cysteine 374 with tyrosine.
Molecular consequence: missense variant.
Genome position (GRCh38, 1-based): chr7:5,527,755, C>T on the plus strand (G>A on the coding strand, the complement: ACTB is on the minus strand). VCF-style: chr7-5527755-C-T. GRCh37 (hg19) VCF-style: chr7-5567386-C-T.
Other names: short protein forms C374Y.
Identifiers: ClinVar variation 2580466 (VCV002580466.1), dbSNP rs2533845711, ClinGen allele CA366698876.
Genomic context (GRCh38, chr7:5,527,755, plus strand): 5'-CGCAAGTTAGGTTTTGTCAAGAAAGGGTGTAACGCAACTAAGTCATAGTCCGCCTAGAAG[C>T]ATTTGCGGTGGACGATGGAGGGGCCGGACTCGTCATACTCCTGCTTGCTGATCCACATCT-3'
Protein context (NP_001092.1, residues 364-375): ESGPSIVHRK[Cys374Tyr]F